The following is an entry in ClinVar:

ClinVar aggregate classification (germline): Uncertain significance (1 of 4 stars; one submission).

Conditions:
Inborn genetic diseases. Identifiers: MedGen C0950123, MeSH D030342.

gnomAD v4.1: 4 of 1,613,864 alleles (0.00025%); highest among the groups gnomAD compares: Non-Finnish European, 0.00025%; no homozygotes.

Submission:

Ambry Genetics
Classification: Uncertain significance for Inborn genetic diseases. Last evaluated: 2025-11-11. Review status: criteria provided, single submitter. Criteria: Ambry Variant Classification Scheme 2023. Collection method: clinical testing. Allele origin: germline.
Comment: The c.3893C>G (p.P1298R) alteration is located in exon 15 (coding exon 14) of the GLI3 gene. This alteration results from a C to G substitution at nucleotide position 3893, causing the proline (P) at amino acid position 1298 to be replaced by an arginine (R). Based on data from gnomAD, the G allele has an overall frequency of <0.001% (1/249508) total alleles studied. The highest observed frequency was 0.001% (1/112080) of European (non-Finnish) alleles. Based on insufficient or conflicting evidence, the clinical significance of this alteration remains unclear.

NM_000168.6(GLI3):c.3893C>G (p.Pro1298Arg)

Gene: GLI3 (GLI family zinc finger 3; minus strand). Cytogenetic location: 7p14.1.
Variant type: single nucleotide variant.
Coding change: c.3893C>G on transcript NM_000168.6 (MANE Select); coding-DNA position 3893, C replaced by G.
Protein change: p.Pro1298Arg; replaces proline 1298 with arginine.
Molecular consequence: missense variant.
Genome position (GRCh38, 1-based): chr7:41,965,180, G>C on the plus strand (C>G on the coding strand, the complement: GLI3 is on the minus strand). VCF-style: chr7-41965180-G-C. GRCh37 (hg19) VCF-style: chr7-42004778-G-C.
Other names: short protein forms P1298R.
Identifiers: ClinVar variation 4620883 (VCV004620883.1).